The following is an entry in ClinVar:

ClinVar aggregate classification (germline): Uncertain significance. Review status: criteria provided, multiple submitters, no conflicts (2 of 4 stars). 3 submissions from 3 submitters: Uncertain significance (3). Last evaluated 2025-11-18.

Conditions:
Charcot-Marie-Tooth disease. Also called: Charcot-Marie-Tooth Hereditary Neuropathy; Charcot-Marie-Tooth Neuropathy. Identifiers: Orphanet 166, MedGen C0007959, MONDO:0015626.
Charcot-Marie-Tooth disease axonal type 2C (HMSN2C). Also called: Charcot-Marie-Tooth Disease Type 2, TRPV4-Related (CMT2C); CHARCOT-MARIE-TOOTH DISEASE, AXONAL, AUTOSOMAL DOMINANT, TYPE 2C; Charcot-Marie-Tooth Neuropathy Type 2C. Identifiers: Orphanet 99937, MedGen C1853710, MONDO:0011633, OMIM 606071.

Allele frequency attached by ClinVar (database versions not stated): gnomAD 0.00001; TOPMed 0.00002.
gnomAD v4.1: 7 of 1,613,572 alleles (0.00043%); highest among the groups gnomAD compares: Admixed American, 0.0017%; no homozygotes.

Submissions (3):

Labcorp Genetics (formerly Invitae), Labcorp
Classification: Uncertain significance for Charcot-Marie-Tooth disease axonal type 2C. Last evaluated: 2025-11-18. Review status: criteria provided, single submitter. Criteria: Invitae Variant Classification Sherloc (09022015). Collection method: clinical testing. Allele origin: germline.
Comment: This sequence change replaces serine, which is neutral and polar, with leucine, which is neutral and non-polar, at codon 836 of the TRPV4 protein (p.Ser836Leu). This variant is not present in population databases (gnomAD no frequency). This variant has not been reported in the literature in individuals affected with TRPV4-related conditions. ClinVar contains an entry for this variant (Variation ID: 916992). Invitae Evidence Modeling of protein sequence and biophysical properties (such as structural, functional, and spatial information, amino acid conservation, physicochemical variation, residue mobility, and thermodynamic stability) indicates that this missense variant is not expected to disrupt TRPV4 protein function with a negative predictive value of 95%. In summary, the available evidence is currently insufficient to determine the role of this variant in disease. Therefore, it has been classified as a Variant of Uncertain Significance.

GeneDx
Classification: Uncertain significance. Last evaluated: 2023-07-18. Review status: criteria provided, single submitter. Criteria: GeneDx Variant Classification Process June 2021. Collection method: clinical testing. Allele origin: germline. Affected: yes.
Comment: Not observed at significant frequency in large population cohorts (gnomAD); In silico analysis supports that this missense variant does not alter protein structure/function; Has not been previously published as pathogenic or benign to our knowledge; This variant is associated with the following publications: (PMID: 27149842)

Molecular Genetics Laboratory, London Health Sciences Centre
Classification: Uncertain significance for Charcot-Marie-Tooth disease. Review status: criteria provided, single submitter. Criteria: ACMG Guidelines, 2015. Collection method: clinical testing. Allele origin: germline. Affected: yes.

NM_021625.5(TRPV4):c.2507C>T (p.Ser836Leu)

Gene: TRPV4 (transient receptor potential cation channel subfamily V member 4; minus strand). Cytogenetic location: 12q24.11.
Variant type: single nucleotide variant.
Coding change: c.2507C>T on transcript NM_021625.5 (MANE Select); coding-DNA position 2507, C replaced by T.
Protein change: p.Ser836Leu; replaces serine 836 with leucine.
Molecular consequence: missense variant.
Genome position (GRCh38, 1-based): chr12:109,783,730, G>A on the plus strand (C>T on the coding strand, the complement: TRPV4 is on the minus strand). VCF-style: chr12-109783730-G-A. GRCh37 (hg19) VCF-style: chr12-110221535-G-A.
Other names: c.2366C>T, p.Ser789Leu (NM_001177428.2); c.2405C>T, p.Ser802Leu (NM_001177431.2); c.2186C>T, p.Ser729Leu (NM_001177433.2); c.2327C>T, p.Ser776Leu (NM_147204.3); short protein forms S729L, S776L, S789L, S802L, S836L.
Identifiers: ClinVar variation 916992 (VCV000916992.10), dbSNP rs768620169, ClinGen allele CA386648567.